The following is an entry in ClinVar:

NM_004523.4(KIF11):c.2106G>T (p.Lys702Asn)

Gene: KIF11 (kinesin family member 11; plus strand). Cytogenetic location: 10q23.33.
Variant type: single nucleotide variant.
Coding change: c.2106G>T on transcript NM_004523.4 (MANE Select); coding-DNA position 2106, G replaced by T.
Protein change: p.Lys702Asn; replaces lysine 702 with asparagine.
Molecular consequence: missense variant.
Genome position (GRCh38, 1-based): chr10:92,637,491, G>T. VCF-style: chr10-92637491-G-T. GRCh37 (hg19) VCF-style: chr10-94397248-G-T.
Other names: short protein forms K702N.
Identifiers: ClinVar variation 435606 (VCV000435606.15), dbSNP rs189734472, ClinGen allele CA5604329.

ClinVar aggregate classification (germline): Conflicting classifications of pathogenicity. Review status: criteria provided, conflicting classifications (1 of 4 stars). 3 submissions from 3 submitters: Uncertain significance (1); Likely benign (2). Last evaluated 2024-08-21.

Allele frequency attached by ClinVar (database versions not stated): gnomAD 0.00003 and 0.00005; gnomAD exomes 0.00004 and 0.00006; ExAC 0.00006; ESP Exome Variant Server 0.00008; TOPMed 0.00009; 1000 Genomes Project 0.00060; 1000 Genomes Project 30x 0.00078.
gnomAD v4.1: 60 of 1,608,132 alleles (0.0037%); highest among the groups gnomAD compares: Admixed American, 0.023%; no homozygotes.

Submissions (3):

Labcorp Genetics (formerly Invitae), Labcorp
Classification: Uncertain significance. Last evaluated: 2024-08-21. Review status: criteria provided, single submitter. Criteria: Invitae Variant Classification Sherloc (09022015). Collection method: clinical testing. Allele origin: germline.
Comment: This sequence change replaces lysine, which is basic and polar, with asparagine, which is neutral and polar, at codon 702 of the KIF11 protein (p.Lys702Asn). This variant is present in population databases (rs189734472, gnomAD 0.02%), and has an allele count higher than expected for a pathogenic variant. This variant has not been reported in the literature in individuals affected with KIF11-related conditions. ClinVar contains an entry for this variant (Variation ID: 435606). Invitae Evidence Modeling of protein sequence and biophysical properties (such as structural, functional, and spatial information, amino acid conservation, physicochemical variation, residue mobility, and thermodynamic stability) indicates that this missense variant is not expected to disrupt KIF11 protein function with a negative predictive value of 80%. In summary, the available evidence is currently insufficient to determine the role of this variant in disease. Therefore, it has been classified as a Variant of Uncertain Significance.

Blueprint Genetics
Classification: Likely benign. Last evaluated: 2024-06-25. Review status: criteria provided, single submitter. Criteria: ACMG Guidelines, 2015. Collection method: clinical testing. Allele origin: germline.

Genetic Services Laboratory, University of Chicago
Classification: Likely benign. Last evaluated: 2016-01-06. Review status: criteria provided, single submitter. Criteria: ACMG Guidelines, 2015. Collection method: clinical testing. Allele origin: germline. Affected: no.